The following is an entry in ClinVar:

NM_005879.3(TRAIP):c.1268G>A (p.Arg423Gln)

Gene: TRAIP (TRAF interacting protein; minus strand). Cytogenetic location: 3p21.31.
Variant type: single nucleotide variant.
Coding change: c.1268G>A on transcript NM_005879.3 (MANE Select); coding-DNA position 1268, G replaced by A.
Protein change: p.Arg423Gln; replaces arginine 423 with glutamine.
Molecular consequence: missense variant.
Genome position (GRCh38, 1-based): chr3:49,829,477, C>T on the plus strand (G>A on the coding strand, the complement: TRAIP is on the minus strand). VCF-style: chr3-49829477-C-T. GRCh37 (hg19) VCF-style: chr3-49866910-C-T.
Other names: short protein forms R423Q.
Identifiers: ClinVar variation 1943576 (VCV001943576.5), dbSNP rs142854364, ClinGen allele CA2407548.
Genomic context (GRCh38, chr3:49,829,477, plus strand): 5'-TCCACAGTTCAGCTCAGCTCAACATCACAGGAAAAGGATACAGGCTGGATGAATTTTGTC[C>T]GGCCACCGAGCCCATCGAAGCCTGTCCTTACCTAGGGTGGAAGGAAGAGATGAGTGGGCC-3'
Protein context (NP_005870.2, residues 413-433): VRTGFDGLGG[Arg423Gln]TKFIQPTDTV

ClinVar aggregate classification (germline): Uncertain significance (1 of 4 stars; one submission).

Allele frequency attached by ClinVar (database versions not stated): TOPMed below 0.00001; gnomAD 0.00001; gnomAD exomes 0.00001; ExAC 0.00002; ESP Exome Variant Server 0.00008.
gnomAD v4.1: 23 of 1,613,994 alleles (0.0014%); highest among the groups gnomAD compares: African/African-American, 0.004%; no homozygotes.

Submission:

Labcorp Genetics (formerly Invitae), Labcorp
Classification: Uncertain significance. Last evaluated: 2025-08-18. Review status: criteria provided, single submitter. Criteria: Invitae Variant Classification Sherloc (09022015). Collection method: clinical testing. Allele origin: germline.
Comment: This sequence change replaces arginine, which is basic and polar, with glutamine, which is neutral and polar, at codon 423 of the TRAIP protein (p.Arg423Gln). This variant is present in population databases (rs142854364, gnomAD 0.003%). This variant has not been reported in the literature in individuals affected with TRAIP-related conditions. ClinVar contains an entry for this variant (Variation ID: 1943576). An algorithm developed to predict the effect of missense changes on protein structure and function (PolyPhen-2) suggests that this variant is likely to be tolerated. In summary, the available evidence is currently insufficient to determine the role of this variant in disease. Therefore, it has been classified as a Variant of Uncertain Significance.